The following is an entry in ClinVar:

NM_001244008.2(KIF1A):c.4249T>A (p.Ser1417Thr)

Gene: KIF1A (kinesin family member 1A; minus strand). Cytogenetic location: 2q37.3.
Variant type: single nucleotide variant.
Coding change: c.4249T>A on transcript NM_001244008.2 (MANE Select); coding-DNA position 4249, T replaced by A.
Protein change: p.Ser1417Thr; replaces serine 1417 with threonine.
Molecular consequence: missense variant.
Genome position (GRCh38, 1-based): chr2:240,725,278, A>T on the plus strand (T>A on the coding strand, the complement: KIF1A is on the minus strand). VCF-style: chr2-240725278-A-T. GRCh37 (hg19) VCF-style: chr2-241664695-A-T.
Other names: c.3973T>A, p.Ser1325Thr (NM_001320705.2, NM_001379649.1); c.4000T>A, p.Ser1334Thr (NM_001330289.2); c.4048T>A, p.Ser1350Thr (NM_001330290.2, NM_001379648.1); c.4324T>A, p.Ser1442Thr (NM_001379631.1); c.4225T>A, p.Ser1409Thr (NM_001379632.1); c.4222T>A, p.Ser1408Thr (NM_001379633.1, NM_001379645.1); c.4075T>A, p.Ser1359Thr (NM_001379634.1); c.4072T>A, p.Ser1358Thr (NM_001379635.1, NM_001379646.1); and 7 more; short protein forms S1316T, S1417T, S1350T, S1334T, S1325T, S1315T, S1324T, S1333T.
Identifiers: ClinVar variation 387301 (VCV000387301.14), dbSNP rs200855792, ClinGen allele CA2207456.
Genomic context (GRCh38, chr2:240,725,278, plus strand): 5'-CCGCACCGAGACCAGGGTGGGAGTCCATGTGGTCCTCACCCCTGGGAGCTTACCTCTCTG[A>T]GGCCCGAAGGCTCCCACTGCCAAAGAGGTTGCGGATGGAGCGCGAGGCTGGCAGCTTGGC-3'
Protein context (NP_001230937.1, residues 1407-1427): NLFGSGSLRA[Ser1417Thr]ESNRVTGVYE

ClinVar aggregate classification (germline): Conflicting classifications of pathogenicity. Review status: criteria provided, conflicting classifications (1 of 4 stars). 4 submissions from 4 submitters: Uncertain significance (2); Benign (1); Likely benign (1). Last evaluated 2025-09-03.

Conditions:
Neuropathy, hereditary sensory, type 2C. Also called: KIF1A-Related HSAN2 (HSAN2C); Hereditary sensory and autonomic neuropathy type IIC. Identifiers: Orphanet 970, MedGen C3280168, MONDO:0013634, OMIM 614213.
Intellectual disability, autosomal dominant 9 (NESCAVS). Also called: NESCAV SYNDROME; KIF1A-Related Neurodevelopmental Disorder. Identifiers: Orphanet 662367, MedGen C5393830, MONDO:0013656, OMIM 614255.
Hereditary spastic paraplegia 30. Identifiers: Orphanet 101010, MedGen C5235139, MONDO:0012476.
Inborn genetic diseases. Identifiers: MedGen C0950123, MeSH D030342.

Allele frequency attached by ClinVar (database versions not stated): gnomAD exomes 0.00004; gnomAD 0.00013 and 0.00016; ExAC 0.00016; TOPMed 0.00016; ESP Exome Variant Server 0.00024.
gnomAD v4.1: 44 of 1,601,898 alleles (0.0027%); highest among the groups gnomAD compares: African/African-American, 0.055%; no homozygotes.

Submissions (4):

Labcorp Genetics (formerly Invitae), Labcorp
Classification: Benign for Hereditary spastic paraplegia 30; Neuropathy, hereditary sensory, type 2C; Intellectual disability, autosomal dominant 9. Last evaluated: 2025-09-03. Review status: criteria provided, single submitter. Criteria: Invitae Variant Classification Sherloc (09022015). Collection method: clinical testing. Allele origin: germline.

ARUP Laboratories, Molecular Genetics and Genomics, ARUP Laboratories
Classification: Likely benign. Last evaluated: 2025-05-23. Review status: criteria provided, single submitter. Criteria: ARUP Molecular Germline Variant Investigation Process 2024. Collection method: clinical testing. Allele origin: germline.

GeneDx
Classification: Uncertain significance. Last evaluated: 2023-03-08. Review status: criteria provided, single submitter. Criteria: GeneDx Variant Classification Process June 2021. Collection method: clinical testing. Allele origin: germline. Affected: yes.
Comment: In silico analysis supports that this missense variant does not alter protein structure/function; Has not been previously published as pathogenic or benign to our knowledge

Ambry Genetics
Classification: Uncertain significance for Inborn genetic diseases. Last evaluated: 2021-02-11. Review status: criteria provided, single submitter. Criteria: Ambry Variant Classification Scheme 2023. Collection method: clinical testing. Allele origin: germline.
Comment: The p.S1417T variant (also known as c.4249T>A), located in coding exon 39 of the KIF1A gene, results from a T to A substitution at nucleotide position 4249. The serine at codon 1417 is replaced by threonine, an amino acid with similar properties. This amino acid position is not well conserved in available vertebrate species, and threonine is the reference amino acid in other vertebrate species. In addition, this alteration is predicted to be tolerated by in silico analysis. Since supporting evidence is limited at this time, the clinical significance of this alteration remains unclear.